The following is an entry in ClinVar:

ClinVar aggregate classification (germline): Pathogenic (1 of 4 stars; one submission).

Conditions:
Birt-Hogg-Dube syndrome. Also called: Birt Hogg Dubé syndrome. Identifiers: Orphanet 122, MedGen C0346010, MONDO:0800444.

Submission:

Labcorp Genetics (formerly Invitae), Labcorp
Classification: Pathogenic for Birt-Hogg-Dube syndrome. Last evaluated: 2018-10-13. Review status: criteria provided, single submitter. Criteria: Invitae Variant Classification Sherloc (09022015). Collection method: clinical testing. Allele origin: germline.
Comment: This sequence change creates a premature translational stop signal (p.Ser56Ilefs*74) in the FLCN gene. It is expected to result in an absent or disrupted protein product. This variant is not present in population databases (ExAC no frequency). This variant has not been reported in the literature in individuals with FLCN-related disease. Loss-of-function variants in FLCN are known to be pathogenic (PMID: 15852235). For these reasons, this variant has been classified as Pathogenic.

Literature cited by the submitters: PubMed 15852235.

NM_144997.7(FLCN):c.167del (p.Ser56fs)

Gene: FLCN (folliculin; minus strand). Cytogenetic location: 17p11.2.
Variant type: Deletion.
Coding change: c.167del on transcript NM_144997.7 (MANE Select); coding-DNA position 167, one base deleted (G; older notation c.167delG).
Protein change: p.Ser56fs; shifts the reading frame from serine 56.
Molecular consequence: frameshift variant.
Genome position (GRCh38, 1-based): chr17:17,227,971, C deleted on the plus strand (G on the coding strand, the reverse complement: FLCN is on the minus strand). VCF-style (leftmost placement, unchanged base first): chr17-17227970-AC-A. GRCh37 (hg19) VCF-style: chr17-17131284-AC-A.
Other names: c.167del, p.Ser56fs (NM_001353229.2, NM_001353230.2, NM_001353231.2 and 1 more transcripts); short protein forms S56fs.
Identifiers: ClinVar variation 649905 (VCV000649905.6), dbSNP rs1597617757, ClinGen allele CA915949610.